The following is an entry in ClinVar:

ClinVar aggregate classification (germline): Conflicting classifications of pathogenicity. Review status: criteria provided, conflicting classifications (1 of 4 stars). 2 submissions from 2 submitters: Pathogenic (1); Uncertain significance (1). Last evaluated 2021-02-04.

Conditions:
Intellectual disability. Also called: Intellectual functioning disability; intellectual disabilities; Intellectual developmental disorder. Identifiers: MedGen C3714756, MeSH D008607, MONDO:0001071, HP:0001249.

Submissions (2):

Blueprint Genetics
Classification: Uncertain significance. Last evaluated: 2021-02-04. Review status: criteria provided, single submitter. Criteria: ACMG Guidelines, 2015. Collection method: clinical testing. Allele origin: germline.

Human Genetics Laboratory, Jordan University of Science and Technology
Classification: Pathogenic for Intellectual disability. Last evaluated: 2021-01-28. Review status: criteria provided, single submitter. Criteria: ACMG Guidelines, 2015. Collection method: research. Allele origin: germline. Inheritance: Autosomal recessive inheritance. Affected: yes. Observed: 3 variant alleles. Clinical features observed: Intellectual disability (HP:0001249), Hearing impairment (HP:0000365), Global developmental delay (HP:0001263), Seizure (HP:0001250), Specific learning disability (HP:0001328), Delayed speech and language development (HP:0000750), Nystagmus (HP:0000639).
Comment: The Leu330Pro variant in KARS1 was identified by trio-based whole-exome sequencing and fully segregated with Intellectual Disability and hearing impairment across three affected children in a consanguineous Jordanian family, with Sanger sequencing confirming that both unaffected parents and three unaffected siblings were heterozygous carriers, consistent with autosomal recessive inheritance. The variant was absent from the gnomAD population database and affects a residue that is invariant across vertebrate species. KARS1 is an established Mendelian disease gene (OMIM#: 601421), with variants previously reported in association with Charcot-Marie-Tooth disease, autosomal recessive deafness 89, congenital deafness with adult-onset progressive leukoencephalopathy, and progressive infantile-onset leukoencephalopathy with or without deafness, supporting KARS1 as a plausible candidate gene for the phenotype observed here. In summary, our analysis predicted that the Leu330Pro variant was pathogenic according to the ACMG/AMP recommendations (Richards et al., 2015; doi: 10.1038/gim.2015.30).

NM_005548.3(KARS1):c.905T>C (p.Leu302Pro)

Gene: KARS1 (lysyl-tRNA synthetase 1; minus strand). Cytogenetic location: 16q23.1.
Variant type: single nucleotide variant.
Coding change: c.905T>C on transcript NM_005548.3 (MANE Select); coding-DNA position 905, T replaced by C.
Protein change: p.Leu302Pro; replaces leucine 302 with proline.
Molecular consequence: missense variant.
Genome position (GRCh38, 1-based): chr16:75,634,183, A>G on the plus strand (T>C on the coding strand, the complement: KARS1 is on the minus strand). VCF-style: chr16-75634183-A-G. GRCh37 (hg19) VCF-style: chr16-75668081-A-G.
Other names: c.989T>C, p.Leu330Pro (NM_001130089.2); c.437T>C, p.Leu146Pro (NM_001378148.1); short protein forms L146P, L302P, L330P.
Identifiers: ClinVar variation 4891234 (VCV004891234.1).